The following is an entry in ClinVar:

ClinVar aggregate classification (germline): Uncertain significance (1 of 4 stars; one submission).

Submission:

Labcorp Genetics (formerly Invitae), Labcorp
Classification: Uncertain significance. Last evaluated: 2023-05-04. Review status: criteria provided, single submitter. Criteria: Invitae Variant Classification Sherloc (09022015). Collection method: clinical testing. Allele origin: germline.
Comment: In summary, the available evidence is currently insufficient to determine the role of this variant in disease. Therefore, it has been classified as a Variant of Uncertain Significance. Advanced modeling of protein sequence and biophysical properties (such as structural, functional, and spatial information, amino acid conservation, physicochemical variation, residue mobility, and thermodynamic stability) performed at Invitae indicates that this missense variant is not expected to disrupt SMARCB1 protein function. This sequence change replaces isoleucine, which is neutral and non-polar, with methionine, which is neutral and non-polar, at codon 253 of the SMARCB1 protein (p.Ile253Met). This variant is not present in population databases (gnomAD no frequency). This variant has not been reported in the literature in individuals affected with SMARCB1-related conditions. ClinVar contains an entry for this variant (Variation ID: 1370810).

NM_003073.5(SMARCB1):c.759C>G (p.Ile253Met)

Gene: SMARCB1 (SWI/SNF related BAF chromatin remodeling complex subunit B1; plus strand). Cytogenetic location: 22q11.23.
Variant type: single nucleotide variant.
Coding change: c.759C>G on transcript NM_003073.5 (MANE Select); coding-DNA position 759, C replaced by G.
Protein change: p.Ile253Met; replaces isoleucine 253 with methionine.
Molecular consequence: missense variant.
Genome position (GRCh38, 1-based): chr22:23,816,900, C>G. VCF-style: chr22-23816900-C-G. GRCh37 (hg19) VCF-style: chr22-24159087-C-G.
Other names: c.732C>G, p.Ile244Met (NM_001007468.3); c.786C>G, p.Ile262Met (NM_001317946.2); c.813C>G, p.Ile271Met (NM_001362877.2); short protein forms I244M, I253M, I262M, I271M.
Identifiers: ClinVar variation 1370810 (VCV001370810.6), dbSNP rs889171672, ClinGen allele CA322567983.